The following is an entry in ClinVar:

NM_000264.5(PTCH1):c.2863T>C (p.Tyr955His)

Gene: PTCH1 (patched 1; minus strand). Cytogenetic location: 9q22.32.
Variant type: single nucleotide variant.
Coding change: c.2863T>C on transcript NM_000264.5 (MANE Select); coding-DNA position 2863, T replaced by C.
Protein change: p.Tyr955His; replaces tyrosine 955 with histidine.
Molecular consequence: missense variant. On other transcripts: non-coding transcript variant (1).
Genome position (GRCh38, 1-based): chr9:95,459,624, A>G on the plus strand (T>C on the coding strand, the complement: PTCH1 is on the minus strand). VCF-style: chr9-95459624-A-G. GRCh37 (hg19) VCF-style: chr9-98221906-A-G.
Other names: c.2665T>C, p.Tyr889His (NM_001083602.3); c.2860T>C, p.Tyr954His (NM_001083603.3); c.2410T>C, p.Tyr804His (NM_001083604.3, NM_001083605.3, NM_001083606.3 and 1 more transcripts); c.2707T>C, p.Tyr903His (NM_001354918.2); c.2665T>C (NM_001083602.1); short protein forms Y804H, Y955H, Y889H, Y903H, Y954H.
Identifiers: ClinVar variation 1513501 (VCV001513501.7), dbSNP rs2136670259, ClinGen allele CA374112918.

ClinVar aggregate classification (germline): Uncertain significance. Review status: criteria provided, multiple submitters, no conflicts (2 of 4 stars). 2 submissions from 2 submitters: Uncertain significance (2). Last evaluated 2026-07-06.

Conditions:
Gorlin syndrome. Also called: Nevoid Basal Cell Carcinoma Syndrome; Basal cell nevus syndrome. Identifiers: Orphanet 377, MedGen C0004779, MONDO:0007187.
Hereditary cancer-predisposing syndrome. Also called: Hereditary Cancer Syndrome; Tumor predisposition; Neoplastic Syndromes, Hereditary; Hereditary neoplastic syndrome. Identifiers: Orphanet 140162, MedGen C0027672, MeSH D009386, MONDO:0015356.

Allele frequency attached by ClinVar (database versions not stated): gnomAD exomes below 0.00001.
gnomAD v4.1: 2 of 1,614,010 alleles (0.00012%); highest among the groups gnomAD compares: South Asian, 0.0022%; no homozygotes.

Submissions (2):

Ambry Genetics
Classification: Uncertain significance for Hereditary cancer-predisposing syndrome. Last evaluated: 2026-07-06. Review status: criteria provided, single submitter. Criteria: Ambry Variant Classification Scheme 2023. Collection method: clinical testing. Allele origin: germline.
Comment: The p.Y889H variant (also known as c.2665T>C), located in coding exon 17 of the PTCH1 gene, results from a T to C substitution at nucleotide position 2665. The tyrosine at codon 889 is replaced by histidine, an amino acid with similar properties. This amino acid position is conserved. In addition, the in silico prediction for this alteration is inconclusive. Based on the available evidence, the clinical significance of this variant remains unclear.

Labcorp Genetics (formerly Invitae), Labcorp
Classification: Uncertain significance for Gorlin syndrome. Last evaluated: 2025-12-19. Review status: criteria provided, single submitter. Criteria: Invitae Variant Classification Sherloc (09022015). Collection method: clinical testing. Allele origin: germline.
Comment: This sequence change replaces tyrosine, which is neutral and polar, with histidine, which is basic and polar, at codon 955 of the PTCH1 protein (p.Tyr955His). This variant is not present in population databases (gnomAD no frequency). This variant has not been reported in the literature in individuals affected with PTCH1-related conditions. ClinVar contains an entry for this variant (Variation ID: 1513501). Invitae Evidence Modeling of protein sequence and biophysical properties (such as structural, functional, and spatial information, amino acid conservation, physicochemical variation, residue mobility, and thermodynamic stability) indicates that this missense variant is not expected to disrupt PTCH1 protein function with a negative predictive value of 95%. In summary, the available evidence is currently insufficient to determine the role of this variant in disease. Therefore, it has been classified as a Variant of Uncertain Significance.